The following is an entry in ClinVar:

NM_001080467.3(MYO5B):c.2971del (p.Glu991fs)

Gene: MYO5B (myosin VB; minus strand). Cytogenetic location: 18q21.1.
Variant type: Deletion.
Coding change: c.2971del on transcript NM_001080467.3 (MANE Select); coding-DNA position 2971, one base deleted (G; older notation c.2971delG).
Protein change: p.Glu991fs; shifts the reading frame from glutamic acid 991.
Molecular consequence: frameshift variant.
Genome position (GRCh38, 1-based): chr18:49,895,015, C deleted on the plus strand (G on the coding strand, the reverse complement: MYO5B is on the minus strand). VCF-style (leftmost placement, unchanged base first): chr18-49895014-TC-T. GRCh37 (hg19) VCF-style: chr18-47421384-TC-T.
Other names: short protein forms E991fs.
Identifiers: ClinVar variation 2708064 (VCV002708064.3), dbSNP rs2511270909, ClinGen allele CA2697555486.

ClinVar aggregate classification (germline): Pathogenic (1 of 4 stars; one submission).

Submission:

Labcorp Genetics (formerly Invitae), Labcorp
Classification: Pathogenic. Last evaluated: 2024-01-07. Review status: criteria provided, single submitter. Criteria: Invitae Variant Classification Sherloc (09022015). Collection method: clinical testing. Allele origin: germline.
Comment: This sequence change creates a premature translational stop signal (p.Glu991Serfs*23) in the MYO5B gene. It is expected to result in an absent or disrupted protein product. Loss-of-function variants in MYO5B are known to be pathogenic (PMID: 18724368, 20186687). This variant is not present in population databases (gnomAD no frequency). This variant has not been reported in the literature in individuals affected with MYO5B-related conditions. Algorithms developed to predict the effect of sequence changes on RNA splicing suggest that this variant may disrupt the consensus splice site. For these reasons, this variant has been classified as Pathogenic.

Literature cited by the submitters: PubMed 18724368; PubMed 20186687.